The following is an entry in ClinVar:

NM_001283009.2(RTEL1):c.2989A>G (p.Thr997Ala)

Genes: RTEL1 (regulator of telomere elongation helicase 1; plus strand), RTEL1-TNFRSF6B (RTEL1-TNFRSF6B readthrough (NMD candidate); plus strand). Cytogenetic location: 20q13.33.
Variant type: single nucleotide variant.
Coding change: c.2989A>G on transcript NM_001283009.2 (MANE Select); coding-DNA position 2989, A replaced by G.
Protein change: p.Thr997Ala; replaces threonine 997 with alanine.
Molecular consequence: missense variant. On other transcripts: non-coding transcript variant (1).
Genome position (GRCh38, 1-based): chr20:63,693,280, A>G. VCF-style: chr20-63693280-A-G. GRCh37 (hg19) VCF-style: chr20-62324633-A-G.
Other names: c.2320A>G, p.Thr774Ala (NM_001283010.1); c.2989A>G, p.Thr997Ala (NM_016434.4); c.3061A>G, p.Thr1021Ala (NM_032957.5); short protein forms T1021A, T774A, T997A.
Identifiers: ClinVar variation 3753068 (VCV003753068.3).
Genomic context (GRCh38, chr20:63,693,280, plus strand): 5'-GGCTATCGGCCTGAGCACAGCATTCCCCGAAGGCAGCGGGCACAGCCGGTCCTGGACCCC[A>G]CTGGTAAATGGGGCCCCAGGTGGGACCCTCAGACTCCTGCGTGGAAGGCAGTGTGGGCCA-3'
Protein context (NP_001269938.1, residues 987-1007): RQRAQPVLDP[Thr997Ala]GRTAPDPKLT

ClinVar aggregate classification (germline): Uncertain significance. Review status: criteria provided, multiple submitters, no conflicts (2 of 4 stars). 2 submissions from 2 submitters: Uncertain significance (2). Last evaluated 2025-09-11.

Conditions:
Pulmonary fibrosis and/or bone marrow failure, Telomere-related, 3. Also called: PULMONARY FIBROSIS AND/OR BONE MARROW FAILURE SYNDROME, TELOMERE-RELATED, 3. Identifiers: Orphanet 2032, MedGen C4225346, MONDO:0014613, OMIM 616373.
Dyskeratosis congenita, autosomal recessive 5 (DKCB5). Identifiers: MedGen C3554656, MONDO:0014076, OMIM 615190.
Inborn genetic diseases. Identifiers: MedGen C0950123, MeSH D030342.

gnomAD v4.1: 2 of 1,611,490 alleles (0.00012%); highest among the groups gnomAD compares: African/African-American, 0.0013%; no homozygotes.

Submissions (2):

Ambry Genetics
Classification: Uncertain significance for Inborn genetic diseases. Last evaluated: 2025-09-11. Review status: criteria provided, single submitter. Criteria: Ambry Variant Classification Scheme 2023. Collection method: clinical testing. Allele origin: germline.
Comment: The p.T997A variant (also known as c.2989A>G), located in coding exon 29 of the RTEL1 gene, results from an A to G substitution at nucleotide position 2989. The threonine at codon 997 is replaced by alanine, an amino acid with similar properties. This amino acid position is conserved. In addition, this alteration is predicted to be tolerated by in silico analysis. Based on the available evidence, the clinical significance of this variant remains unclear.

Labcorp Genetics (formerly Invitae), Labcorp
Classification: Uncertain significance for Dyskeratosis congenita, autosomal recessive 5; Pulmonary fibrosis and/or bone marrow failure, Telomere-related, 3. Last evaluated: 2024-08-09. Review status: criteria provided, single submitter. Criteria: Invitae Variant Classification Sherloc (09022015). Collection method: clinical testing. Allele origin: germline.
Comment: This sequence change replaces threonine, which is neutral and polar, with alanine, which is neutral and non-polar, at codon 997 of the RTEL1 protein (p.Thr997Ala). This variant is not present in population databases (gnomAD no frequency). This variant has not been reported in the literature in individuals affected with RTEL1-related conditions. An algorithm developed to predict the effect of missense changes on protein structure and function (PolyPhen-2) suggests that this variant is likely to be tolerated. In summary, the available evidence is currently insufficient to determine the role of this variant in disease. Therefore, it has been classified as a Variant of Uncertain Significance.